The following is an entry in ClinVar:

ClinVar aggregate classification (germline): Benign. Review status: criteria provided, multiple submitters, no conflicts (2 of 4 stars). 3 submissions from 3 submitters: Benign (2). 1 of the submissions does not count toward it. Last evaluated 2026-02-03.

Conditions:
Early-infantile DEE. Also called: Early infantile epileptic encephalopathy; Ohtahara syndrome; Early infantile epileptic encephalopathy with suppression bursts. Identifiers: Orphanet 1934, MedGen C0393706, MONDO:0800491.
KCNH5-related disorder. Also called: KCNH5-related condition.

Allele frequency attached by ClinVar (database versions not stated): gnomAD exomes 0.00205; ExAC 0.00242; gnomAD 0.00767 and 0.00818; ESP Exome Variant Server 0.00792; TOPMed 0.00869; 1000 Genomes Project 0.00879; 1000 Genomes Project 30x 0.00968.
gnomAD v4.1: 2,264 of 1,612,270 alleles (0.14%); highest among the groups gnomAD compares: African/African-American, 2.7%; 21 homozygotes.

Submissions (3):

Labcorp Genetics (formerly Invitae), Labcorp
Classification: Benign for Early-infantile DEE. Last evaluated: 2026-02-03. Review status: criteria provided, single submitter. Criteria: Invitae Variant Classification Sherloc (09022015). Collection method: clinical testing. Allele origin: germline.

Genetic Services Laboratory, University of Chicago
Classification: Benign. Last evaluated: 2020-06-23. Review status: criteria provided, single submitter. Criteria: ACMG Guidelines, 2015. Collection method: clinical testing. Allele origin: germline. Affected: no.

PreventionGenetics, part of Exact Sciences
Classification: Benign for KCNH5-related condition. Last evaluated: 2019-05-15. Review status: no assertion criteria provided. Collection method: clinical testing. Allele origin: germline. Not counted in ClinVar's aggregate classification.
Comment: This variant is classified as benign based on ACMG/AMP sequence variant interpretation guidelines (Richards et al. 2015 PMID: 25741868, with internal and published modifications).

NM_139318.5(KCNH5):c.1369+7A>G

Gene: KCNH5 (potassium voltage-gated channel subfamily H member 5; minus strand). Cytogenetic location: 14q23.2.
Variant type: single nucleotide variant.
Coding change: c.1369+7A>G on transcript NM_139318.5 (MANE Select); 7 bases into the intron after coding-DNA position 1369, A replaced by G.
Molecular consequence: intron variant.
Genome position (GRCh38, 1-based): chr14:62,950,126, T>C on the plus strand (A>G on the coding strand, the complement: KCNH5 is on the minus strand). VCF-style: chr14-62950126-T-C. GRCh37 (hg19) VCF-style: chr14-63416844-T-C.
Other names: c.1369+7A>G (NM_172375.3).
Identifiers: ClinVar variation 416118 (VCV000416118.19), dbSNP rs79489451, ClinGen allele CA7217495.